The following is an entry in ClinVar:

NM_001457.4(FLNB):c.4307G>A (p.Arg1436Gln)

Gene: FLNB (filamin B; plus strand). Cytogenetic location: 3p14.3.
Variant type: single nucleotide variant.
Coding change: c.4307G>A on transcript NM_001457.4 (MANE Select); coding-DNA position 4307, G replaced by A.
Protein change: p.Arg1436Gln; replaces arginine 1436 with glutamine.
Molecular consequence: missense variant.
Genome position (GRCh38, 1-based): chr3:58,130,825, G>A. VCF-style: chr3-58130825-G-A. GRCh37 (hg19) VCF-style: chr3-58116552-G-A.
Other names: c.4307G>A, p.Arg1436Gln (NM_001164317.2, NM_001164318.2, NM_001164319.2); short protein forms R1436Q.
Identifiers: ClinVar variation 284344 (VCV000284344.43), dbSNP rs140018418, ClinGen allele CA2468722.

ClinVar aggregate classification (germline): Conflicting classifications of pathogenicity. Review status: criteria provided, conflicting classifications (1 of 4 stars). 5 submissions from 5 submitters: Uncertain significance (3); Likely benign (1). 1 of the submissions does not count toward it. Last evaluated 2026-01-20.

Conditions:
FLNB-related disorder. Also called: FLNB-related condition; FLNB-related disorders. Identifiers: MedGen CN381095.

Allele frequency attached by ClinVar (database versions not stated): 1000 Genomes Project 30x 0.00016; gnomAD exomes 0.00017; 1000 Genomes Project 0.00020; ExAC 0.00025; gnomAD 0.00067; TOPMed 0.00076; ESP Exome Variant Server 0.00108.
gnomAD v4.1: 191 of 1,613,696 alleles (0.012%); highest among the groups gnomAD compares: African/African-American, 0.23%; no homozygotes.

Submissions (5):

Labcorp Genetics (formerly Invitae), Labcorp
Classification: Likely benign. Last evaluated: 2026-01-20. Review status: criteria provided, single submitter. Criteria: Invitae Variant Classification Sherloc (09022015). Collection method: clinical testing. Allele origin: germline.

GeneDx
Classification: Uncertain significance. Last evaluated: 2025-04-21. Review status: criteria provided, single submitter. Criteria: GeneDx Variant Classification Process June 2021. Collection method: clinical testing. Allele origin: germline. Affected: yes.
Comment: Has not been previously published as pathogenic or benign to our knowledge; In silico analysis supports that this missense variant has a deleterious effect on protein structure/function

CeGaT Center for Human Genetics Tuebingen
Classification: Uncertain significance. Last evaluated: 2023-09-01. Review status: criteria provided, single submitter. Criteria: CeGaT Center For Human Genetics Tuebingen Variant Classification Criteria Version 2. Collection method: clinical testing. Allele origin: germline. Affected: yes. Observed: 1 variant allele.

Eurofins Ntd Llc (ga)
Classification: Uncertain significance. Last evaluated: 2015-11-06. Review status: criteria provided, single submitter. Criteria: EGL Classification Definitions 2015. Collection method: clinical testing. Allele origin: germline. Observed: 1 variant allele, 1 heterozygote.

PreventionGenetics, part of Exact Sciences
Classification: Likely benign for FLNB-related condition. Last evaluated: 2024-01-24. Review status: no assertion criteria provided. Collection method: clinical testing. Allele origin: germline. Not counted in ClinVar's aggregate classification.
Comment: This variant is classified as likely benign based on ACMG/AMP sequence variant interpretation guidelines (Richards et al. 2015 PMID: 25741868, with internal and published modifications).